The following is an entry in ClinVar:

NM_003201.2(TFAM):c.-310C>A

Gene: TFAM (transcription factor A, mitochondrial; plus strand). Cytogenetic location: 10q21.1.
Variant type: single nucleotide variant.
Coding change: c.-310C>A on transcript NM_003201.2; 310 bases upstream of the start codon, C replaced by A.
Genome position (GRCh38, 1-based): chr10:58,385,238, C>A. VCF-style: chr10-58385238-C-A. GRCh37 (hg19) VCF-style: chr10-60144998-C-A.
Identifiers: ClinVar variation 669576 (VCV000669576.4), dbSNP rs2279339, ClinGen allele CA13156047.

ClinVar aggregate classification (germline): Benign. Review status: criteria provided, multiple submitters, no conflicts (2 of 4 stars). 2 submissions from 2 submitters: Benign (2). Last evaluated 2018-06-14.

Allele frequency attached by ClinVar (database versions not stated): gnomAD 0.17090; TOPMed 0.17467; 1000 Genomes Project 30x 0.18254; 1000 Genomes Project 0.18371.

Submissions (2):

GeneDx
Classification: Benign. Last evaluated: 2018-06-14. Review status: criteria provided, single submitter. Criteria: GeneDx Variant Classification (06012015). Collection method: clinical testing. Allele origin: germline. Affected: yes.
Comment: This variant is considered likely benign or benign based on one or more of the following criteria: it is a conservative change, it occurs at a poorly conserved position in the protein, it is predicted to be benign by multiple in silico algorithms, and/or has population frequency not consistent with disease.

Breakthrough Genomics
Classification: Benign. Review status: criteria provided, single submitter. Criteria: ACMG Guidelines, 2015. Collection method: not provided. Allele origin: germline. Inheritance: Autosomal recessive inheritance. Affected: yes.